The following is an entry in ClinVar:

NM_003560.4(PLA2G6):c.1709A>G (p.Glu570Gly)

Gene: PLA2G6 (phospholipase A2 group VI; minus strand). Cytogenetic location: 22q13.1.
Variant type: single nucleotide variant.
Coding change: c.1709A>G on transcript NM_003560.4 (MANE Select); coding-DNA position 1709, A replaced by G.
Protein change: p.Glu570Gly; replaces glutamic acid 570 with glycine.
Molecular consequence: missense variant.
Genome position (GRCh38, 1-based): chr22:38,120,792, T>C on the plus strand (A>G on the coding strand, the complement: PLA2G6 is on the minus strand). VCF-style: chr22-38120792-T-C. GRCh37 (hg19) VCF-style: chr22-38516799-T-C.
Other names: c.1547A>G, p.Glu516Gly (NM_001004426.3, NM_001199562.3, NM_001349865.2 and 1 more transcripts); c.1709A>G, p.Glu570Gly (NM_001349864.2); c.1175A>G, p.Glu392Gly (NM_001349867.2); c.1031A>G, p.Glu344Gly (NM_001349868.2); c.1013A>G, p.Glu338Gly (NM_001349869.2); short protein forms E338G, E344G, E392G, E516G, E570G.
Identifiers: ClinVar variation 1497313 (VCV001497313.4), dbSNP rs2145710922, ClinGen allele CA411527226.

ClinVar aggregate classification (germline): Uncertain significance (1 of 4 stars; one submission).

Conditions:
Infantile neuroaxonal dystrophy (NBIA2A). Also called: NEURODEGENERATION WITH BRAIN IRON ACCUMULATION 2A; SEITELBERGER DISEASE; Infantile neuroaxonal dystrophy 1. Identifiers: Orphanet 35069, MedGen C0270724, MONDO:0024457, OMIM 256600.

Submission:

Labcorp Genetics (formerly Invitae), Labcorp
Classification: Uncertain significance for Infantile neuroaxonal dystrophy. Last evaluated: 2021-12-03. Review status: criteria provided, single submitter. Criteria: Invitae Variant Classification Sherloc (09022015). Collection method: clinical testing. Allele origin: germline.
Comment: In summary, the available evidence is currently insufficient to determine the role of this variant in disease. Therefore, it has been classified as a Variant of Uncertain Significance. Advanced modeling of protein sequence and biophysical properties (such as structural, functional, and spatial information, amino acid conservation, physicochemical variation, residue mobility, and thermodynamic stability) performed at Invitae indicates that this missense variant is expected to disrupt PLA2G6 protein function. This variant has not been reported in the literature in individuals affected with PLA2G6-related conditions. This variant is not present in population databases (gnomAD no frequency). This sequence change replaces glutamic acid, which is acidic and polar, with glycine, which is neutral and non-polar, at codon 570 of the PLA2G6 protein (p.Glu570Gly).